The following is an entry in ClinVar:

ClinVar aggregate classification (germline): Benign/Likely benign. Review status: criteria provided, multiple submitters, no conflicts (2 of 4 stars). 14 submissions from 14 submitters: Benign (4); Likely benign (7). 3 of the submissions do not count toward it. Last evaluated 2026-06-01.

Conditions:
ABCB11-related disorder. Also called: ABCB11-related condition.
Familial intrahepatic cholestasis. Identifiers: Orphanet 284385, MedGen CN296401, MONDO:0017290.
Cholestasis, intrahepatic, of pregnancy, 3. Identifiers: Orphanet 69665, MedGen C3554241, MONDO:0013995, OMIM 614972.
Progressive familial intrahepatic cholestasis type 2. Identifiers: Orphanet 79304, MedGen C3489789, MONDO:0011156, OMIM 601847.
Benign recurrent intrahepatic cholestasis type 2 (BRIC2). Also called: Recurrent familial intrahepatic cholestasis 2. Identifiers: Orphanet 65682, Orphanet 99961, MedGen C2608083, MONDO:0011559, OMIM 605479.

Allele frequency attached by ClinVar (database versions not stated): 1000 Genomes Project 30x 0.00250; 1000 Genomes Project 0.00280; gnomAD exomes 0.00342; TOPMed 0.00451; gnomAD 0.00474 and 0.00495; ESP Exome Variant Server 0.00547; ExAC 0.00645.
gnomAD v4.1: 5,182 of 1,566,200 alleles (0.33%); highest among the groups gnomAD compares: African/African-American, 0.66%; 21 homozygotes.

Submissions (14):

CeGaT Center for Human Genetics Tuebingen
Classification: Likely benign. Last evaluated: 2026-06-01. Review status: criteria provided, single submitter. Criteria: CeGaT Center For Human Genetics Tuebingen Variant Classification Criteria Version 2. Collection method: clinical testing. Allele origin: germline. Affected: yes. Observed: 12 variant alleles.
Comment: ABCB11: BP4, BS2

Genomenon, Inc
Classification: Likely benign for Familial intrahepatic cholestasis. Last evaluated: 2026-04-14. Review status: criteria provided, single submitter. Criteria: Genomenon Sequence Variant Interpretation Standards - Updated. Collection method: curation. Allele origin: germline. Affected: yes.
Comment: ABCB11 p.Arg698His (c.2093G>A) is a missense variant that changes the amino acid at residue 698 from Arginine to Histidine. This variant has been observed in at least one proband with an ABCB11-related disorder (PMID:35894240;31021034;28733223;23022423;17264802;23750872;20232290). At least one splicing study demonstrated no effect on splicing (PMID:19101985). This variant's allele frequency in gnomAD is greater than expected for this disorder. In conclusion, we classify ABCB11 p.Arg698His (c.2093G>A) as a likely benign variant.

Labcorp Genetics (formerly Invitae), Labcorp
Classification: Benign. Last evaluated: 2026-02-02. Review status: criteria provided, single submitter. Criteria: Invitae Variant Classification Sherloc (09022015). Collection method: clinical testing. Allele origin: germline.

Mayo Clinic Laboratories, Mayo Clinic
Classification: Likely benign. Last evaluated: 2025-04-29. Review status: criteria provided, single submitter. Criteria: ACMG Guidelines, 2015. Collection method: clinical testing. Allele origin: germline. Observed: 5 variant alleles.
Comment: BA1

Blueprint Genetics
Classification: Likely benign. Last evaluated: 2024-11-26. Review status: criteria provided, single submitter. Criteria: ACMG Guidelines, 2015. Collection method: clinical testing. Allele origin: germline.

Fulgent Genetics
Classification: Benign for Progressive familial intrahepatic cholestasis type 2; Benign recurrent intrahepatic cholestasis type 2. Last evaluated: 2021-08-10. Review status: criteria provided, single submitter. Criteria: ACMG Guidelines, 2015. Collection method: clinical testing. Allele origin: unknown.

GeneDx
Classification: Likely benign. Last evaluated: 2018-06-18. Review status: criteria provided, single submitter. Criteria: GeneDx Variant Classification Process June 2021. Collection method: clinical testing. Allele origin: germline. Affected: yes.
Comment: This variant is associated with the following publications: (PMID: 19101985, 23022423, 23750872, 23279303, 27153395, 16763017, 20232290, 14999697, 28524363, 28733223, 32581362)

Illumina Laboratory Services, Illumina
Classification: Benign for Progressive familial intrahepatic cholestasis type 2. Last evaluated: 2017-04-27. Review status: criteria provided, single submitter. Criteria: ICSL Variant Classification Criteria 13 December 2019. Collection method: clinical testing. Allele origin: germline.
Comment: This variant was observed as part of a predisposition screen in an ostensibly healthy population. A literature search was performed for the gene, cDNA change, and amino acid change (where applicable). Publications were found based on this search. The evidence from the literature, in combination with allele frequency data from public databases where available, was sufficient to rule this variant out of causing disease. Therefore, this variant is classified as benign.

Center for Pediatric Genomic Medicine, Children's Mercy Hospital and Clinics
Classification: Likely benign. Last evaluated: 2017-02-06. Review status: criteria provided, single submitter. Criteria: ACMG Guidelines, 2015. Collection method: clinical testing. Allele origin: germline.
ClinVar note: Converted during submission from Likely Benign to Likely benign.

Eurofins Ntd Llc (ga)
Classification: Benign. Last evaluated: 2015-02-17. Review status: criteria provided, single submitter. Criteria: EGL Classification Definitions 2015. Collection method: clinical testing. Allele origin: germline. Observed: 1 variant allele, 1 heterozygote.

Breakthrough Genomics
Classification: Likely benign. Review status: criteria provided, single submitter. Criteria: ACMG Guidelines, 2015. Collection method: not provided. Allele origin: germline. Inheritance: Autosomal recessive inheritance. Affected: yes.

PreventionGenetics, part of Exact Sciences
Classification: Benign for ABCB11-related condition. Last evaluated: 2024-05-22. Review status: no assertion criteria provided. Collection method: clinical testing. Allele origin: germline. Not counted in ClinVar's aggregate classification.
Comment: This variant is classified as benign based on ACMG/AMP sequence variant interpretation guidelines (Richards et al. 2015 PMID: 25741868, with internal and published modifications).

Natera, Inc.
Classification: Benign for Progressive familial intrahepatic cholestasis type 2. Last evaluated: 2019-11-15. Review status: no assertion criteria provided. Collection method: clinical testing. Allele origin: germline. Not counted in ClinVar's aggregate classification.

NIHR Bioresource Rare Diseases, University of Cambridge
Classification: Uncertain significance for Cholestasis, intrahepatic, of pregnancy, 3. Review status: no assertion criteria provided. Collection method: research. Allele origin: unknown. Affected: yes. Observed: 2 variant alleles. Not counted in ClinVar's aggregate classification.

Literature cited by the submitters: PubMed 35894240 (cited by Genomenon, Inc and Mayo Clinic Laboratories, Mayo Clinic); PubMed 31021034 (cited by Genomenon, Inc and Mayo Clinic Laboratories, Mayo Clinic); PubMed 28733223 (cited by Genomenon, Inc and Mayo Clinic Laboratories, Mayo Clinic); PubMed 23022423 (cited by 3 submitters); PubMed 17264802 (cited by Genomenon, Inc); PubMed 23750872 (cited by Genomenon, Inc and Illumina Laboratory Services, Illumina); PubMed 20232290 (cited by 3 submitters); PubMed 19101985 (cited by Genomenon, Inc and Mayo Clinic Laboratories, Mayo Clinic); PubMed 16763017 (cited by Mayo Clinic Laboratories, Mayo Clinic); PubMed 22577218 (cited by Mayo Clinic Laboratories, Mayo Clinic); PubMed 23279303 (cited by Mayo Clinic Laboratories, Mayo Clinic and Illumina Laboratory Services, Illumina); PubMed 27153395 (cited by Mayo Clinic Laboratories, Mayo Clinic and Illumina Laboratory Services, Illumina); PubMed 28524363 (cited by Mayo Clinic Laboratories, Mayo Clinic); PubMed 32581362 (cited by Mayo Clinic Laboratories, Mayo Clinic and NIHR Bioresource Rare Diseases, University of Cambridge); PubMed 35884482 (cited by Mayo Clinic Laboratories, Mayo Clinic).

NM_003742.4(ABCB11):c.2093G>A (p.Arg698His)

Gene: ABCB11 (ATP binding cassette subfamily B member 11; minus strand). Cytogenetic location: 2q31.1.
Variant type: single nucleotide variant.
Coding change: c.2093G>A on transcript NM_003742.4 (MANE Select); coding-DNA position 2093, G replaced by A.
Protein change: p.Arg698His; replaces arginine 698 with histidine.
Molecular consequence: missense variant.
Genome position (GRCh38, 1-based): chr2:168,964,291, C>T on the plus strand (G>A on the coding strand, the complement: ABCB11 is on the minus strand). VCF-style: chr2-168964291-C-T. GRCh37 (hg19) VCF-style: chr2-169820801-C-T.
Other names: c.2093G>A, p.Arg698His (LRG_1199t1); short protein forms R698H.
Identifiers: ClinVar variation 194842 (VCV000194842.58), dbSNP rs138642043, ClinGen allele CA201386.